The following is an entry in ClinVar:

ClinVar aggregate classification (germline): Benign (0 of 4 stars; one submission).

Conditions:
SASH1-related disorder. Also called: SASH1-related condition.

Allele frequency attached by ClinVar (database versions not stated): gnomAD exomes 0.00227; 1000 Genomes Project 0.01657; 1000 Genomes Project 30x 0.01780; gnomAD 0.01845; TOPMed 0.02053.
gnomAD v4.1: 2,838 of 177,366 alleles (1.6%); highest among the groups gnomAD compares: African/African-American, 6.4%; 90 homozygotes.

Submission:

PreventionGenetics, part of Exact Sciences
Classification: Benign for SASH1-related condition. Last evaluated: 2019-02-21. Review status: no assertion criteria provided. Collection method: clinical testing. Allele origin: germline.
Comment: This variant is classified as benign based on ACMG/AMP sequence variant interpretation guidelines (Richards et al. 2015 PMID: 25741868, with internal and published modifications).

NM_015278.5(SASH1):c.1209+436G>A

Gene: SASH1 (SAM and SH3 domain containing 1; plus strand). Cytogenetic location: 6q25.1.
Variant type: single nucleotide variant.
Coding change: c.1209+436G>A on transcript NM_015278.5 (MANE Select); 436 bases into the intron after coding-DNA position 1209, G replaced by A.
Molecular consequence: intron variant. On other transcripts: missense variant (2).
Genome position (GRCh38, 1-based): chr6:148,520,329, G>A. VCF-style: chr6-148520329-G-A. GRCh37 (hg19) VCF-style: chr6-148841465-G-A.
Other names: c.928G>A, p.Ala310Thr (NM_001346508.2); c.805G>A, p.Ala269Thr (NM_001346509.2); c.1074+436G>A (NM_001346505.2); c.837+436G>A (NM_001346506.2); c.492+436G>A (NM_001346507.2); short protein forms A269T, A310T.
Identifiers: ClinVar variation 3055267 (VCV003055267.2), dbSNP rs76979348, ClinGen allele CA148990945.